The following is an entry in ClinVar:

ClinVar aggregate classification (germline): Conflicting classifications of pathogenicity. Review status: criteria provided, conflicting classifications (1 of 4 stars). 2 submissions from 2 submitters: Uncertain significance (1); Likely benign (1). Last evaluated 2026-09-01.

Conditions:
Inborn genetic diseases. Identifiers: MedGen C0950123, MeSH D030342.

Submissions (2):

CeGaT Center for Human Genetics Tuebingen
Classification: Likely benign. Last evaluated: 2026-09-01. Review status: criteria provided, single submitter. Criteria: CeGaT Center For Human Genetics Tuebingen Variant Classification Criteria Version 2. Collection method: clinical testing. Allele origin: germline. Affected: yes. Observed: 2 variant alleles.
Comment: KDM3B: BS2

Ambry Genetics
Classification: Uncertain significance for Inborn genetic diseases. Last evaluated: 2021-09-08. Review status: criteria provided, single submitter. Criteria: Ambry Variant Classification Scheme 2023. Collection method: clinical testing. Allele origin: germline.
Comment: The c.69_74delAGCCTC (p.S27_A28del) alteration is located in exon 1 (coding exon 1) of the KDM3B gene. This alteration consists of an in-frame deletion of 6 nucleotides between nucleotide positions c.69 and c.74, resulting in the deletion of 2 residues. Based on insufficient or conflicting evidence, the clinical significance of this alteration remains unclear.

NM_016604.4(KDM3B):c.69_74del (p.23SA[2])

Genes: KDM3B (lysine demethylase 3B; plus strand), LOC129994737 (ATAC-STARR-seq lymphoblastoid silent region 16394; plus strand). Cytogenetic location: 5q31.2.
Variant type: Deletion.
Coding change: c.69_74del on transcript NM_016604.4 (MANE Select); coding-DNA positions 69 to 74, 6 bases deleted (AGCCTC; older notation c.69_74delAGCCTC).
Protein change: p.23SA[2].
Molecular consequence: inframe deletion.
Genome position (GRCh38, 1-based): chr5:138,352,864-138,352,869, AGCCTC deleted; deleting any 6 consecutive bases within chr5:138,352,859-138,352,869 gives the same sequence; the c. name uses the placement nearest the transcript's 3' end. VCF-style (leftmost placement, unchanged base first): chr5-138352858-GGCCTCA-G. GRCh37 (hg19) VCF-style: chr5-137688547-GGCCTCA-G.
Identifiers: ClinVar variation 2351648 (VCV002351648.27), dbSNP rs1401249843, ClinGen allele CA563497692.
Genomic context (GRCh38, chr5:138,352,858, plus strand): 5'-GGCGGACGCGGCGGCCTCCCCGGTGGGCAAGCGGCTGCTGCTGCTGTTCGCGGACACTGC[GGCCTCA>G]GCCTCGGCCTCGGCTCCCGCGGCGGCAGCGGCGAGCGGAGATCCGGGGCCTGCGCTGCGC-3'